The following is an entry in ClinVar:

NM_000368.5(TSC1):c.363+5_363+8del

Gene: TSC1 (TSC complex subunit 1; minus strand). Cytogenetic location: 9q34.13.
Variant type: Deletion.
Coding change: c.363+5_363+8del on transcript NM_000368.5 (MANE Select); bases 5 to 8 of the intron after coding-DNA position 363, 4 bases deleted (GATG; older notation c.363+5_363+8delGATG).
Molecular consequence: intron variant.
Genome position (GRCh38, 1-based): chr9:132,925,579-132,925,582, CATC deleted on the plus strand (GATG on the coding strand, the reverse complement: TSC1 is on the minus strand); deleting any 4 consecutive bases within chr9:132,925,579-132,925,583 gives the same sequence; the c. name uses the placement nearest the transcript's 3' end. VCF-style (leftmost placement, unchanged base first): chr9-132925578-ACATC-A. GRCh37 (hg19) VCF-style: chr9-135800965-ACATC-A.
Other names: c.-1+5_-1+8del (NM_001362177.2); c.210+1619_210+1622del (NM_001162427.2); c.363+5_363+8del (NM_001162426.2).
Identifiers: ClinVar variation 840600 (VCV000840600.7), dbSNP rs1846805825, ClinGen allele CA916081561.
Genomic context (GRCh38, chr9:132,925,578, plus strand): 5'-TAAGTTGCCTAAAATTTCAGAAACTATACTCATAAAACCATTTCATTCAAATCCTTACAA[ACATC>A]CTACCTTGAGACATTTTAGTAAAGAAGGCAAAAGAGGTGCTTGAGAGAGCTTATGCTTCC-3'

ClinVar aggregate classification (germline): Uncertain significance (1 of 4 stars; one submission).

Conditions:
Tuberous sclerosis 1 (TSC1). Identifiers: Orphanet 805, MedGen C1854465, MONDO:0008612, OMIM 191100.

Submission:

Labcorp Genetics (formerly Invitae), Labcorp
Classification: Uncertain significance for Tuberous sclerosis 1. Last evaluated: 2019-01-25. Review status: criteria provided, single submitter. Criteria: Invitae Variant Classification Sherloc (09022015). Collection method: clinical testing. Allele origin: germline.
Comment: In summary, the available evidence is currently insufficient to determine the role of this variant in disease. Therefore, it has been classified as a Variant of Uncertain Significance. Nucleotide substitutions within the consensus splice site are a relatively common cause of aberrant splicing (PMID: 17576681, 9536098). Algorithms developed to predict the effect of sequence changes on RNA splicing suggest that this variant may disrupt the consensus splice site, but this prediction has not been confirmed by published transcriptional studies. This variant has not been reported in the literature in individuals with TSC1-related conditions. This variant is not present in population databases (ExAC no frequency). This sequence change falls in intron 5 of the TSC1 gene. It does not directly change the encoded amino acid sequence of the TSC1 protein, but it affects a nucleotide within the consensus splice site of the intron.

Literature cited by the submitters: PubMed 17576681; PubMed 9536098.